The following is an entry in ClinVar:

NM_007373.4(SHOC2):c.200C>T (p.Ser67Leu)

Gene: SHOC2 (SHOC2 leucine rich repeat scaffold protein; plus strand). Cytogenetic location: 10q25.2.
Variant type: single nucleotide variant.
Coding change: c.200C>T on transcript NM_007373.4 (MANE Select); coding-DNA position 200, C replaced by T.
Protein change: p.Ser67Leu; replaces serine 67 with leucine.
Molecular consequence: missense variant.
Genome position (GRCh38, 1-based): chr10:110,964,558, C>T. VCF-style: chr10-110964558-C-T. GRCh37 (hg19) VCF-style: chr10-112724316-C-T.
Other names: c.200C>T, p.Ser67Leu (NM_001269039.3, NM_001324336.2, NM_001324337.2); short protein forms S67L.
Identifiers: ClinVar variation 3954158 (VCV003954158.1).

ClinVar aggregate classification (germline): Uncertain significance (1 of 4 stars; one submission).

Conditions:
Cardiovascular phenotype. Identifiers: MedGen CN230736.

gnomAD v4.1: 1 of 1,614,044 alleles (0.000062%); highest among the groups gnomAD compares: Non-Finnish European, 0.000085%; no homozygotes.

Submission:

Ambry Genetics
Classification: Uncertain significance for Cardiovascular phenotype. Last evaluated: 2025-03-31. Review status: criteria provided, single submitter. Criteria: Ambry Variant Classification Scheme 2023. Collection method: clinical testing. Allele origin: germline.
Comment: The p.S67L variant (also known as c.200C>T), located in coding exon 1 of the SHOC2 gene, results from a C to T substitution at nucleotide position 200. The serine at codon 67 is replaced by leucine, an amino acid with dissimilar properties. This amino acid position is conserved. In addition, the in silico prediction for this alteration is inconclusive. Based on the available evidence, the clinical significance of this variant remains unclear.